The following is an entry in ClinVar:

NM_001458.5(FLNC):c.3089C>G (p.Pro1030Arg)

Gene: FLNC (filamin C; plus strand). Cytogenetic location: 7q32.1.
Variant type: single nucleotide variant.
Coding change: c.3089C>G on transcript NM_001458.5 (MANE Select); coding-DNA position 3089, C replaced by G.
Protein change: p.Pro1030Arg; replaces proline 1030 with arginine.
Molecular consequence: missense variant.
Genome position (GRCh38, 1-based): chr7:128,844,163, C>G. VCF-style: chr7-128844163-C-G. GRCh37 (hg19) VCF-style: chr7-128484217-C-G.
Other names: c.3089C>G, p.Pro1030Arg (NM_001127487.2); c.3089C>G (NM_001458.4); short protein forms P1030R.
Identifiers: ClinVar variation 1387925 (VCV001387925.8), dbSNP rs2128936198, ClinGen allele CA369194283.

ClinVar aggregate classification (germline): Uncertain significance. Review status: criteria provided, multiple submitters, no conflicts (2 of 4 stars). 2 submissions from 2 submitters: Uncertain significance (2). Last evaluated 2024-08-22.

Conditions:
Cardiovascular phenotype. Identifiers: MedGen CN230736.
Distal myopathy with posterior leg and anterior hand involvement. Also called: WILLIAMS DISTAL MYOPATHY. Identifiers: Orphanet 63273, MedGen C3279722, MONDO:0013550, OMIM 614065.
Myofibrillar myopathy 5. Also called: FILAMINOPATHY, AUTOSOMAL DOMINANT; Filaminopathy (type). Identifiers: Orphanet 171445, MedGen C1836050, MONDO:0012289, OMIM 609524.
Hypertrophic cardiomyopathy 26. Also called: Cardiomyopathy, familial hypertrophic, 26. Identifiers: Orphanet 75249, MedGen C4310749, MONDO:0014883, OMIM 617047.

Submissions (2):

Labcorp Genetics (formerly Invitae), Labcorp
Classification: Uncertain significance for Distal myopathy with posterior leg and anterior hand involvement; Myofibrillar myopathy 5; Hypertrophic cardiomyopathy 26. Last evaluated: 2024-08-22. Review status: criteria provided, single submitter. Criteria: Invitae Variant Classification Sherloc (09022015). Collection method: clinical testing. Allele origin: germline.
Comment: This sequence change replaces proline, which is neutral and non-polar, with arginine, which is basic and polar, at codon 1030 of the FLNC protein (p.Pro1030Arg). This variant is not present in population databases (gnomAD no frequency). This variant has not been reported in the literature in individuals affected with FLNC-related conditions. ClinVar contains an entry for this variant (Variation ID: 1387925). Invitae Evidence Modeling of protein sequence and biophysical properties (such as structural, functional, and spatial information, amino acid conservation, physicochemical variation, residue mobility, and thermodynamic stability) has been performed for this missense variant. However, the output from this modeling did not meet the statistical confidence thresholds required to predict the impact of this variant on FLNC protein function. In summary, the available evidence is currently insufficient to determine the role of this variant in disease. Therefore, it has been classified as a Variant of Uncertain Significance.

Ambry Genetics
Classification: Uncertain significance for Cardiovascular phenotype. Last evaluated: 2023-03-31. Review status: criteria provided, single submitter. Criteria: Ambry Variant Classification Scheme 2023. Collection method: clinical testing. Allele origin: germline.
Comment: The p.P1030R variant (also known as c.3089C>G), located in coding exon 20 of the FLNC gene, results from a C to G substitution at nucleotide position 3089. The proline at codon 1030 is replaced by arginine, an amino acid with dissimilar properties. This amino acid position is conserved. In addition, this alteration is predicted to be deleterious by in silico analysis. Since supporting evidence is limited at this time, the clinical significance of this alteration remains unclear.